The following is an entry in ClinVar:

NM_001447.3(FAT2):c.9432C>T (p.Ala3144=)

Genes: FAT2 (FAT atypical cadherin 2; minus strand), SLC36A1 (solute carrier family 36 member 1; plus strand). Cytogenetic location: 5q33.1.
Variant type: single nucleotide variant.
Coding change: c.9432C>T on transcript NM_001447.3 (MANE Select); coding-DNA position 9432, C replaced by T.
Protein change: p.Ala3144=; no amino-acid change (alanine 3144 retained).
Molecular consequence: synonymous variant.
Genome position (GRCh38, 1-based): chr5:151,531,966, G>A on the plus strand (C>T on the coding strand, the complement: FAT2 is on the minus strand). VCF-style: chr5-151531966-G-A. GRCh37 (hg19) VCF-style: chr5-150911527-G-A.
Identifiers: ClinVar variation 2171460 (VCV002171460.6), dbSNP rs200776651, ClinGen allele CA3520541.
Genomic context (GRCh38, chr5:151,531,966, plus strand): 5'-GGCGTCGATGGAAAAGTGGCCTTCGGCTGAATCCGGCAGAGAGTAAACCACCTGGGCATT[G>A]GCGCCTGGCAGGGAGACCAAGGGTGTGATCCACACTGAGGGCGCCTCCTCTGGACCTGCC-3'
Protein context (NP_001438.1, residues 3134-3154): VVFARDPDQG[Ala3144=]NAQVVYSLPD

ClinVar aggregate classification (germline): Benign/Likely benign. Review status: criteria provided, multiple submitters, no conflicts (2 of 4 stars). 2 submissions from 2 submitters: Benign (1); Likely benign (1). Last evaluated 2026-05-01.

Allele frequency attached by ClinVar (database versions not stated): TOPMed 0.00014; 1000 Genomes Project 30x 0.00016; ESP Exome Variant Server 0.00016; 1000 Genomes Project 0.00020; gnomAD exomes 0.00079; ExAC 0.00145; gnomAD 0.00149.
gnomAD v4.1: 1,369 of 1,614,100 alleles (0.085%); highest among the groups gnomAD compares: Non-Finnish European, 0.019%; 17 homozygotes.

Submissions (2):

CeGaT Center for Human Genetics Tuebingen
Classification: Likely benign. Last evaluated: 2026-05-01. Review status: criteria provided, single submitter. Criteria: CeGaT Center For Human Genetics Tuebingen Variant Classification Criteria Version 2. Collection method: clinical testing. Allele origin: germline. Affected: yes. Observed: 1 variant allele.
Comment: FAT2: BS1

Labcorp Genetics (formerly Invitae), Labcorp
Classification: Benign. Last evaluated: 2026-02-02. Review status: criteria provided, single submitter. Criteria: Invitae Variant Classification Sherloc (09022015). Collection method: clinical testing. Allele origin: germline.